The following is an entry in ClinVar:

NM_133448.3(TMEM132D):c.1599C>T (p.Thr533=)

Gene: TMEM132D (transmembrane protein 132D; minus strand). Cytogenetic location: 12q24.33.
Variant type: single nucleotide variant.
Coding change: c.1599C>T on transcript NM_133448.3 (MANE Select); coding-DNA position 1599, C replaced by T.
Protein change: p.Thr533=; no amino-acid change (threonine 533 retained).
Molecular consequence: synonymous variant.
Genome position (GRCh38, 1-based): chr12:129,084,547, G>A on the plus strand (C>T on the coding strand, the complement: TMEM132D is on the minus strand). VCF-style: chr12-129084547-G-A. GRCh37 (hg19) VCF-style: chr12-129569092-G-A.
Identifiers: ClinVar variation 3052317 (VCV003052317.2), dbSNP rs528294635, ClinGen allele CA6876017.

ClinVar aggregate classification (germline): Likely benign (0 of 4 stars; one submission).

Conditions:
TMEM132D-related disorder. Also called: TMEM132D-related condition.

Allele frequency attached by ClinVar (database versions not stated): ExAC 0.00003; TOPMed 0.00007; gnomAD 0.00009; 1000 Genomes Project 30x 0.00016; 1000 Genomes Project 0.00020.
gnomAD v4.1: 103 of 1,613,192 alleles (0.0064%); highest among the groups gnomAD compares: Middle Eastern, 0.017%; no homozygotes.

Submission:

PreventionGenetics, part of Exact Sciences
Classification: Likely benign for TMEM132D-related condition. Last evaluated: 2019-08-13. Review status: no assertion criteria provided. Collection method: clinical testing. Allele origin: germline.
Comment: This variant is classified as likely benign based on ACMG/AMP sequence variant interpretation guidelines (Richards et al. 2015 PMID: 25741868, with internal and published modifications).